The following is an entry in ClinVar:

ClinVar aggregate classification (germline): Likely benign. Review status: criteria provided, multiple submitters, no conflicts (2 of 4 stars). 2 submissions from 2 submitters: Likely benign (2). Last evaluated 2018-06-16.

Allele frequency attached by ClinVar (database versions not stated): gnomAD exomes 0.00503; 1000 Genomes Project 0.01078; 1000 Genomes Project 30x 0.01109; gnomAD 0.01139 and 0.01207; TOPMed 0.01288.
gnomAD v4.1: 3,911 of 577,894 alleles (0.68%); highest among the groups gnomAD compares: African/African-American, 2.8%; 36 homozygotes.

Submissions (2):

GeneDx
Classification: Likely benign. Last evaluated: 2018-06-16. Review status: criteria provided, single submitter. Criteria: GeneDx Variant Classification (06012015). Collection method: clinical testing. Allele origin: germline. Affected: yes.
Comment: This variant is considered likely benign or benign based on one or more of the following criteria: it is a conservative change, it occurs at a poorly conserved position in the protein, it is predicted to be benign by multiple in silico algorithms, and/or has population frequency not consistent with disease.

Breakthrough Genomics
Classification: Likely benign. Review status: criteria provided, single submitter. Criteria: ACMG Guidelines, 2015. Collection method: not provided. Allele origin: germline. Inheritance: Autosomal recessive inheritance. Affected: yes.

NM_001044385.3(TMEM237):c.136+205G>A

Gene: TMEM237 (transmembrane protein 237; minus strand). Cytogenetic location: 2q33.1.
Variant type: single nucleotide variant.
Coding change: c.136+205G>A on transcript NM_001044385.3 (MANE Select); 205 bases into the intron after coding-DNA position 136, G replaced by A.
Molecular consequence: intron variant.
Genome position (GRCh38, 1-based): chr2:201,638,784, C>T on the plus strand (G>A on the coding strand, the complement: TMEM237 is on the minus strand). VCF-style: chr2-201638784-C-T. GRCh37 (hg19) VCF-style: chr2-202503507-C-T.
Other names: c.112+205G>A (NM_152388.4).
Identifiers: ClinVar variation 677784 (VCV000677784.2), dbSNP rs114996195, ClinGen allele CA63959709.